The following is an entry in ClinVar:

ClinVar aggregate classification (germline): Uncertain significance (0 of 4 stars; one submission).

Conditions:
NFATC1-related disorder. Also called: NFATC1-related condition.

Submission:

PreventionGenetics, part of Exact Sciences
Classification: Uncertain significance for NFATC1-related condition. Last evaluated: 2024-01-30. Review status: no assertion criteria provided. Collection method: clinical testing. Allele origin: germline.
Comment: The NFATC1 c.58_66del9 variant is predicted to result in an in-frame deletion (p.Arg20_Glu22del). To our knowledge, this variant has not been reported in the literature or in a large population database, indicating this variant is rare. At this time, the clinical significance of this variant is uncertain due to the absence of conclusive functional and genetic evidence.

NM_001278669.2(NFATC1):c.127+4098_127+4106del

Genes: NFATC1 (nuclear factor of activated T cells 1; plus strand), LOC130062776 (ATAC-STARR-seq lymphoblastoid silent region 9574; plus strand). Cytogenetic location: 18q23.
Variant type: Deletion.
Coding change: c.127+4098_127+4106del on transcript NM_001278669.2 (MANE Select); bases 4098 to 4106 of the intron after coding-DNA position 127, 9 bases deleted (CGCGACGAG; older notation c.127+4098_127+4106delCGCGACGAG).
Molecular consequence: intron variant. On other transcripts: 5 prime UTR variant (1).
Genome position (GRCh38, 1-based): chr18:79,400,449-79,400,457, CGCGACGAG deleted; deleting any 9 consecutive bases within chr18:79,400,447-79,400,457 gives the same sequence; the c. name uses the placement nearest the transcript's 3' end. VCF-style (leftmost placement, unchanged base first): chr18-79400446-CAGCGCGACG-C. GRCh37 (hg19) VCF-style: chr18-77160446-CAGCGCGACG-C.
Other names: c.58_66del, p.Arg20_Glu22del (NM_001278672.2, NM_001278675.2, NM_172387.3 and 1 more transcripts); c.-221_-213del (NM_001278673.2); c.127+4098_127+4106del (NM_006162.5, NM_001278670.2, NM_172390.3); c.-191+4098_-191+4106del (NM_172388.3).
Identifiers: ClinVar variation 3055115 (VCV003055115.2), dbSNP rs2517360561, ClinGen allele CA2740091826.
Genomic context (GRCh38, chr18:79,400,446, plus strand): 5'-CCCGCCATGACGGGGCTGGAGGACCAGGAGTTCGACTTCGAGTTCCTCTTCGAGTTTAAC[CAGCGCGACG>C]AGGGCGCCGCCGCGGCCGCCCCAGGTGGGTCAGTCCCGGAGGGCGCGGGGGGCGCGGGGC-3'